The following is an entry in ClinVar:

ClinVar aggregate classification (germline): Uncertain significance. Review status: criteria provided, multiple submitters, no conflicts (2 of 4 stars). 2 submissions from 2 submitters: Uncertain significance (2). Last evaluated 2026-07-10.

Conditions:
Inborn genetic diseases. Identifiers: MedGen C0950123, MeSH D030342.

gnomAD v4.1: 51 of 1,613,854 alleles (0.0032%); highest among the groups gnomAD compares: Admixed American, 0.0083%; no homozygotes.

Submissions (2):

GeneDx
Classification: Uncertain significance. Last evaluated: 2026-07-10. Review status: criteria provided, single submitter. Criteria: GeneDx Variant Classification Process June 2021. Collection method: clinical testing. Allele origin: germline.
Comment: In silico analysis supports that this missense variant has a deleterious effect on protein structure/function; Has not been previously published as pathogenic or benign to our knowledge

Ambry Genetics
Classification: Uncertain significance for Inborn genetic diseases. Last evaluated: 2025-06-07. Review status: criteria provided, single submitter. Criteria: Ambry Variant Classification Scheme 2023. Collection method: clinical testing. Allele origin: germline.

NM_004667.6(HERC2):c.12601A>G (p.Lys4201Glu)

Gene: HERC2 (HECT and RLD domain containing E3 ubiquitin protein ligase 2; minus strand). Cytogenetic location: 15q13.1.
Variant type: single nucleotide variant.
Coding change: c.12601A>G on transcript NM_004667.6 (MANE Select); coding-DNA position 12601, A replaced by G.
Protein change: p.Lys4201Glu; replaces lysine 4201 with glutamic acid.
Molecular consequence: missense variant.
Genome position (GRCh38, 1-based): chr15:28,130,564, T>C on the plus strand (A>G on the coding strand, the complement: HERC2 is on the minus strand). VCF-style: chr15-28130564-T-C. GRCh37 (hg19) VCF-style: chr15-28375710-T-C.
Other names: c.12601A>G (NM_004667.4); short protein forms K4201E.
Identifiers: ClinVar variation 3371438 (VCV003371438.3).